The following is an entry in ClinVar:

ClinVar aggregate classification (germline): Uncertain significance (1 of 4 stars; one submission).

Allele frequency attached by ClinVar (database versions not stated): gnomAD exomes below 0.00001; ExAC 0.00003.

Submission:

Ambry Genetics
Classification: Uncertain significance. Last evaluated: 2023-11-01. Review status: criteria provided, single submitter. Criteria: Ambry Variant Classification Scheme 2023. Collection method: clinical testing. Allele origin: germline.
Comment: The p.Y1483F variant (also known as c.4448A>T), located in coding exon 32 of the MYOM1 gene, results from an A to T substitution at nucleotide position 4448. The tyrosine at codon 1483 is replaced by phenylalanine, an amino acid with highly similar properties. This amino acid position is conserved. In addition, this alteration is predicted to be tolerated by in silico analysis. Since supporting evidence is limited at this time, the clinical significance of this alteration remains unclear.

NM_003803.4(MYOM1):c.4448A>T (p.Tyr1483Phe)

Gene: MYOM1 (myomesin 1; minus strand). Cytogenetic location: 18p11.31.
Variant type: single nucleotide variant.
Coding change: c.4448A>T on transcript NM_003803.4 (MANE Select); coding-DNA position 4448, A replaced by T.
Protein change: p.Tyr1483Phe; replaces tyrosine 1483 with phenylalanine.
Molecular consequence: missense variant.
Genome position (GRCh38, 1-based): chr18:3,083,825, T>A on the plus strand (A>T on the coding strand, the complement: MYOM1 is on the minus strand). VCF-style: chr18-3083825-T-A. GRCh37 (hg19) VCF-style: chr18-3083823-T-A.
Other names: c.4160A>T, p.Tyr1387Phe (NM_019856.2); short protein forms Y1387F, Y1483F.
Identifiers: ClinVar variation 3223567 (VCV003223567.1), dbSNP rs747039100, ClinGen allele CA8873940.